The following is an entry in ClinVar:

NM_001365276.2(TNXB):c.8392C>A (p.Arg2798Ser)

Gene: TNXB (tenascin XB; minus strand). Cytogenetic location: 6p21.33.
Variant type: single nucleotide variant.
Coding change: c.8392C>A on transcript NM_001365276.2 (MANE Select); coding-DNA position 8392, C replaced by A.
Protein change: p.Arg2798Ser; replaces arginine 2798 with serine.
Molecular consequence: missense variant.
Genome position (GRCh38, 1-based): chr6:32,055,926, G>T on the plus strand (C>A on the coding strand, the complement: TNXB is on the minus strand). VCF-style: chr6-32055926-G-T. GRCh37 (hg19) VCF-style: chr6-32023703-G-T.
Other names: c.9133C>A, p.Arg3045Ser (NM_001428335.1); c.8392C>A, p.Arg2798Ser (NM_019105.8); short protein forms R2798S, R3045S.
Identifiers: ClinVar variation 4188743 (VCV004188743.2).

ClinVar aggregate classification (germline): Uncertain significance (1 of 4 stars; one submission).

Conditions:
Cardiovascular phenotype. Identifiers: MedGen CN230736.

gnomAD v4.1: 8 of 1,613,348 alleles (0.0005%); highest among the groups gnomAD compares: South Asian, 0.0088%; no homozygotes.

Submission:

Ambry Genetics
Classification: Uncertain significance for Cardiovascular phenotype. Last evaluated: 2025-09-21. Review status: criteria provided, single submitter. Criteria: Ambry Variant Classification Scheme 2023. Collection method: clinical testing. Allele origin: germline.
Comment: The p.R2798S variant (also known as c.8392C>A), located in coding exon 23 of the TNXB gene, results from a C to A substitution at nucleotide position 8392. The arginine at codon 2798 is replaced by serine, an amino acid with dissimilar properties. This amino acid position is conserved. In addition, this alteration is predicted to be tolerated by in silico analysis. Based on the available evidence, the clinical significance of this variant remains unclear.